The following is an entry in ClinVar:

NM_001029896.2(WDR45):c.785A>C (p.His262Pro)

Gene: WDR45 (WD repeat domain 45; minus strand). Cytogenetic location: Xp11.23.
Variant type: single nucleotide variant.
Coding change: c.785A>C on transcript NM_001029896.2 (MANE Select); coding-DNA position 785, A replaced by C.
Protein change: p.His262Pro; replaces histidine 262 with proline.
Molecular consequence: missense variant.
Genome position (GRCh38, 1-based): chrX:49,075,406, T>G on the plus strand (A>C on the coding strand, the complement: WDR45 is on the minus strand). VCF-style: chrX-49075406-T-G. GRCh37 (hg19) VCF-style: chrX-48933065-T-G.
Other names: c.788A>C (NM_007075.3); c.788A>C, p.His263Pro (NM_007075.4); short protein forms H262P, H263P.
Identifiers: ClinVar variation 1686303 (VCV001686303.2), dbSNP rs2147815135, ClinGen allele CA412942817.

ClinVar aggregate classification (germline): Conflicting classifications of pathogenicity. Review status: criteria provided, conflicting classifications (1 of 4 stars). 2 submissions from 2 submitters: Pathogenic (1); Uncertain significance (1). Last evaluated 2024-11-04.

Conditions:
Neurodegeneration with brain iron accumulation 5 (NBIA5). Also called: STATIC ENCEPHALOPATHY OF CHILDHOOD WITH NEURODEGENERATION IN ADULTHOOD; Beta-propeller protein-associated neurodegeneration. Identifiers: Orphanet 329284, MedGen C3550973, MONDO:0010476, OMIM 300894.

Submissions (2):

GeneDx
Classification: Uncertain significance. Last evaluated: 2024-11-04. Review status: criteria provided, single submitter. Criteria: GeneDx Variant Classification Process June 2021. Collection method: clinical testing. Allele origin: germline. Affected: yes.
Comment: Not observed at significant frequency in large population cohorts (gnomAD); In silico analysis supports that this missense variant has a deleterious effect on protein structure/function; Has not been previously published as pathogenic or benign to our knowledge

Mendelics
Classification: Pathogenic for Neurodegeneration with brain iron accumulation 5. Last evaluated: 2022-05-04. Review status: criteria provided, single submitter. Criteria: Mendelics Assertion Criteria 2019. Collection method: clinical testing. Allele origin: germline.